The following is an entry in ClinVar:

ClinVar aggregate classification (germline): Uncertain significance (1 of 4 stars; one submission).

Conditions:
Neuropathy, hereditary sensory and autonomic, type 2A (HSAN2A). Also called: ACROOSTEOLYSIS, GIACCAI TYPE; ACROOSTEOLYSIS, NEUROGENIC; WNK1-Related HSAN2 (HSAN2A); MORVAN DISEASE; NEUROPATHY, CONGENITAL SENSORY; NEUROPATHY, HEREDITARY SENSORY RADICULAR, AUTOSOMAL RECESSIVE. Identifiers: Orphanet 970, MedGen C2752089, MONDO:0024309, OMIM 201300.
Generalized epilepsy with febrile seizures plus, type 7 (GEFSP7). Also called: GEFS+, TYPE 7. Identifiers: Orphanet 36387, MedGen C2751778, MONDO:0013470, OMIM 613863.

Submission:

Labcorp Genetics (formerly Invitae), Labcorp
Classification: Uncertain significance for Neuropathy, hereditary sensory and autonomic, type 2A; Generalized epilepsy with febrile seizures plus, type 7. Last evaluated: 2024-12-07. Review status: criteria provided, single submitter. Criteria: Invitae Variant Classification Sherloc (09022015). Collection method: clinical testing. Allele origin: germline.
Comment: This sequence change replaces leucine, which is neutral and non-polar, with glutamine, which is neutral and polar, at codon 1281 of the SCN9A protein (p.Leu1281Gln). This variant is not present in population databases (gnomAD no frequency). This variant has not been reported in the literature in individuals affected with SCN9A-related conditions. Invitae Evidence Modeling of protein sequence and biophysical properties (such as structural, functional, and spatial information, amino acid conservation, physicochemical variation, residue mobility, and thermodynamic stability) has been performed for this missense variant. However, the output from this modeling did not meet the statistical confidence thresholds required to predict the impact of this variant on SCN9A protein function. In summary, the available evidence is currently insufficient to determine the role of this variant in disease. Therefore, it has been classified as a Variant of Uncertain Significance.

NM_001365536.1(SCN9A):c.3875T>A (p.Leu1292Gln)

Genes: SCN1A-AS1 (SCN1A and SCN9A antisense RNA 1; plus strand), SCN9A (sodium voltage-gated channel alpha subunit 9; minus strand). Cytogenetic location: 2q24.3.
Variant type: single nucleotide variant.
Coding change: c.3875T>A on transcript NM_001365536.1 (MANE Select); coding-DNA position 3875, T replaced by A.
Protein change: p.Leu1292Gln; replaces leucine 1292 with glutamine.
Molecular consequence: missense variant.
Genome position (GRCh38, 1-based): chr2:166,233,389, A>T on the plus strand (T>A on the coding strand, the complement: SCN9A is on the minus strand). VCF-style: chr2-166233389-A-T. GRCh37 (hg19) VCF-style: chr2-167089899-A-T.
Other names: c.3842T>A, p.Leu1281Gln (NM_002977.4); short protein forms L1281Q, L1292Q.
Identifiers: ClinVar variation 3758913 (VCV003758913.2).
Genomic context (GRCh38, chr2:166,233,389, plus strand): 5'-TATTTTCTTACCCTCATTCCTTCAAATCTAGATAAGGCTCTTAGAGGTCTTAAAGCTCTC[A>T]GTGTCCGAAGGGATTTAATGGGGCCAAGATCTGAGTAGCCAAGAGTGTTTGCCACTAAAG-3'
Protein context (NP_001352465.1, residues 1282-1302): DLGPIKSLRT[Leu1292Gln]RALRPLRALS